The following is an entry in ClinVar:

ClinVar aggregate classification (germline): Likely benign (1 of 4 stars; one submission).

gnomAD v4.1: 1 of 1,614,186 alleles (0.000062%); highest among the groups gnomAD compares: Non-Finnish European, 0.000085%; no homozygotes.

Submission:

CeGaT Center for Human Genetics Tuebingen
Classification: Likely benign. Last evaluated: 2026-01-01. Review status: criteria provided, single submitter. Criteria: CeGaT Center For Human Genetics Tuebingen Variant Classification Criteria Version 2. Collection method: clinical testing. Allele origin: germline. Affected: yes. Observed: 1 variant allele.
Comment: GORAB: BP4, BP7

NM_152281.3(GORAB):c.168A>G (p.Gly56=)

Gene: GORAB (golgin, RAB6 interacting; plus strand). Cytogenetic location: 1q24.2.
Variant type: single nucleotide variant.
Coding change: c.168A>G on transcript NM_152281.3 (MANE Select); coding-DNA position 168, A replaced by G.
Protein change: p.Gly56=; no amino-acid change (glycine 56 retained).
Molecular consequence: synonymous variant. On other transcripts: 5 prime UTR variant (1), non-coding transcript variant (1).
Genome position (GRCh38, 1-based): chr1:170,539,316, A>G. VCF-style: chr1-170539316-A-G. GRCh37 (hg19) VCF-style: chr1-170508457-A-G.
Other names: c.168A>G, p.Gly56= (NM_001146039.2); c.-298A>G (NM_001320252.2); c.117A>G, p.Gly39= (NM_001410894.1).
Identifiers: ClinVar variation 4820754 (VCV004820754.4).